The following is an entry in ClinVar:

NM_001378778.1(MPDZ):c.3949G>A (p.Ala1317Thr)

Gene: MPDZ (multiple PDZ domain crumbs cell polarity complex component; minus strand). Cytogenetic location: 9p23.
Variant type: single nucleotide variant.
Coding change: c.3949G>A on transcript NM_001378778.1 (MANE Select); coding-DNA position 3949, G replaced by A.
Protein change: p.Ala1317Thr; replaces alanine 1317 with threonine.
Molecular consequence: missense variant.
Genome position (GRCh38, 1-based): chr9:13,140,041, C>T on the plus strand (G>A on the coding strand, the complement: MPDZ is on the minus strand). VCF-style: chr9-13140041-C-T. GRCh37 (hg19) VCF-style: chr9-13140040-C-T.
Other names: c.3850G>A, p.Ala1284Thr (NM_001261406.2, NM_001261407.2, NM_001375416.1 and 3 more transcripts); c.3949G>A, p.Ala1317Thr (NM_001330637.2, NM_001375413.1, NM_003829.5); c.3739G>A, p.Ala1247Thr (NM_001375420.1, NM_001375421.1, NM_001375422.1 and 4 more transcripts); c.3541G>A, p.Ala1181Thr (NM_001375427.1); short protein forms A1317T, A1247T, A1181T, A1284T.
Identifiers: ClinVar variation 2133691 (VCV002133691.4), dbSNP rs1389989548, ClinGen allele CA372949575.

ClinVar aggregate classification (germline): Uncertain significance (1 of 4 stars; one submission).

Allele frequency attached by ClinVar (database versions not stated): gnomAD 0.00001.
gnomAD v4.1: 1 of 1,612,948 alleles (0.000062%); highest among the groups gnomAD compares: Non-Finnish European, 0.000085%; no homozygotes.

Submission:

Labcorp Genetics (formerly Invitae), Labcorp
Classification: Uncertain significance. Last evaluated: 2022-07-02. Review status: criteria provided, single submitter. Criteria: Invitae Variant Classification Sherloc (09022015). Collection method: clinical testing. Allele origin: germline.
Comment: In summary, the available evidence is currently insufficient to determine the role of this variant in disease. Therefore, it has been classified as a Variant of Uncertain Significance. Algorithms developed to predict the effect of missense changes on protein structure and function output the following: SIFT: "Deleterious"; PolyPhen-2: "Benign"; Align-GVGD: "Class C0". The threonine amino acid residue is found in multiple mammalian species, which suggests that this missense change does not adversely affect protein function. This variant has not been reported in the literature in individuals affected with MPDZ-related conditions. This variant is not present in population databases (gnomAD no frequency). This sequence change replaces alanine, which is neutral and non-polar, with threonine, which is neutral and polar, at codon 1317 of the MPDZ protein (p.Ala1317Thr).